The following is an entry in ClinVar:

NM_017671.5(FERMT1):c.1593+4C>T

Gene: FERMT1 (FERM domain containing kindlin 1; minus strand). Cytogenetic location: 20p12.3.
Variant type: single nucleotide variant.
Coding change: c.1593+4C>T on transcript NM_017671.5 (MANE Select); 4 bases into the intron after coding-DNA position 1593, C replaced by T.
Molecular consequence: intron variant.
Genome position (GRCh38, 1-based): chr20:6,085,062, G>A on the plus strand (C>T on the coding strand, the complement: FERMT1 is on the minus strand). VCF-style: chr20-6085062-G-A. GRCh37 (hg19) VCF-style: chr20-6065709-G-A.
Identifiers: ClinVar variation 1424912 (VCV001424912.4), dbSNP rs765508270, ClinGen allele CA9758107.
Genomic context (GRCh38, chr20:6,085,062, plus strand): 5'-CCTTTTATTTCTGTTTGCATAAAGAATTTACTGCAAACAATTGCCCTAACAAGATTAACA[G>A]TACCTGTTTGGATTTGTGTCTTTTTGCACACCGTGGTGACACAAAACATTCTGGGTTCAT-3'

ClinVar aggregate classification (germline): Uncertain significance (1 of 4 stars; one submission).

Allele frequency attached by ClinVar (database versions not stated): ExAC 0.00001; gnomAD 0.00001; gnomAD exomes 0.00001; TOPMed 0.00001.
gnomAD v4.1: 10 of 1,608,094 alleles (0.00062%); highest among the groups gnomAD compares: South Asian, 0.0044%; no homozygotes.

Submission:

Labcorp Genetics (formerly Invitae), Labcorp
Classification: Uncertain significance. Last evaluated: 2023-12-30. Review status: criteria provided, single submitter. Criteria: Invitae Variant Classification Sherloc (09022015). Collection method: clinical testing. Allele origin: germline.
Comment: This sequence change falls in intron 12 of the FERMT1 gene. It does not directly change the encoded amino acid sequence of the FERMT1 protein. It affects a nucleotide within the consensus splice site. This variant is present in population databases (rs765508270, gnomAD 0.002%). This variant has not been reported in the literature in individuals affected with FERMT1-related conditions. ClinVar contains an entry for this variant (Variation ID: 1424912). Variants that disrupt the consensus splice site are a relatively common cause of aberrant splicing (PMID: 17576681, 9536098). Algorithms developed to predict the effect of sequence changes on RNA splicing suggest that this variant is not likely to affect RNA splicing. In summary, the available evidence is currently insufficient to determine the role of this variant in disease. Therefore, it has been classified as a Variant of Uncertain Significance.

Literature cited by the submitters: PubMed 17576681; PubMed 9536098.